The following is an entry in ClinVar:

NM_000206.3(IL2RG):c.854+2T>C

Gene: IL2RG (interleukin 2 receptor subunit gamma; minus strand). Cytogenetic location: Xq13.1.
Variant type: single nucleotide variant.
Coding change: c.854+2T>C on transcript NM_000206.3 (MANE Select); the canonical splice donor site of the intron after coding-DNA position 854, T replaced by C.
Molecular consequence: splice donor variant.
Genome position (GRCh38, 1-based): chrX:71,108,597, A>G on the plus strand (T>C on the coding strand, the complement: IL2RG is on the minus strand). VCF-style: chrX-71108597-A-G. GRCh37 (hg19) VCF-style: chrX-70328447-A-G.
Identifiers: ClinVar variation 1068144 (VCV001068144.10), dbSNP rs2147747293, ClinGen allele CA413628485.
Genomic context (GRCh38, chrX:71,108,597, plus strand): 5'-ACCCTCCTCTGCTATTGTCAGCTACCGTTCCCCTCATTTTTCTGGGCTTCTCCAAATCTC[A>G]CCGTTCCAGCCAGAAATACACACAGAGAAGGCTGATAATCAATCCCATGGAGCCAACAGA-3'

ClinVar aggregate classification (germline): Pathogenic (1 of 4 stars; one submission).

Conditions:
X-linked severe combined immunodeficiency (SCIDX1). Also called: X-Linked Combined Immunodeficiency Diseases; IMMUNODEFICIENCY 4; SCID, X-LINKED; SEVERE COMBINED IMMUNODEFICIENCY, X-LINKED, T CELL-NEGATIVE, B CELL-POSITIVE, NK CELL-NEGATIVE; T-B+ severe combined immunodeficiency due to gamma chain deficiency. Identifiers: Orphanet 276, MedGen C6022468, MONDO:0010315, OMIM 300400. Disease mechanism: loss of function.

Submissions (2):

Labcorp Genetics (formerly Invitae), Labcorp
Classification: Pathogenic for X-linked severe combined immunodeficiency. Last evaluated: 2024-02-08. Review status: criteria provided, single submitter. Criteria: Invitae Variant Classification Sherloc (09022015). Collection method: clinical testing. Allele origin: germline.
Comment: This sequence change affects a donor splice site in intron 6 of the IL2RG gene. It is expected to disrupt RNA splicing. Variants that disrupt the donor or acceptor splice site typically lead to a loss of protein function (PMID: 16199547), and loss-of-function variants in IL2RG are known to be pathogenic (PMID: 9058718, 10794430). This variant is not present in population databases (gnomAD no frequency). Disruption of this splice site has been observed in individuals with clinical features of IL2RG-related conditions and/or severe combined immunodeficiency (PMID: 9058718, 10794430, 34060650). This variant is also known as 868(+2)T>C. ClinVar contains an entry for this variant (Variation ID: 1068144). Algorithms developed to predict the effect of sequence changes on RNA splicing suggest that this variant may disrupt the consensus splice site. For these reasons, this variant has been classified as Pathogenic.

Dr. Peter K. Rogan Lab, Western University
No classification provided (evidence only). Condition: Nonpapillary renal cell carcinoma. Review status: no classification provided. Collection method: in vitro. Allele origin: not applicable. Functional consequence: retained intron. Not counted in ClinVar's aggregate classification.

Literature cited by the submitters: PubMed 16199547 (cited by Labcorp Genetics (formerly Invitae), Labcorp); PubMed 9058718 (cited by Labcorp Genetics (formerly Invitae), Labcorp); PubMed 10794430 (cited by Labcorp Genetics (formerly Invitae), Labcorp); PubMed 34060650 (cited by Labcorp Genetics (formerly Invitae), Labcorp).